The following is an entry in ClinVar:

NM_006949.4(STXBP2):c.1412A>G (p.Gln471Arg)

Gene: STXBP2 (syntaxin binding protein 2; plus strand). Cytogenetic location: 19p13.2.
Variant type: single nucleotide variant.
Coding change: c.1412A>G on transcript NM_006949.4 (MANE Select); coding-DNA position 1412, A replaced by G.
Protein change: p.Gln471Arg; replaces glutamine 471 with arginine.
Molecular consequence: missense variant. On other transcripts: non-coding transcript variant (1).
Genome position (GRCh38, 1-based): chr19:7,646,304, A>G. VCF-style: chr19-7646304-A-G. GRCh37 (hg19) VCF-style: chr19-7711190-A-G.
Other names: c.1403A>G, p.Gln468Arg (NM_001127396.3); c.1445A>G, p.Gln482Arg (NM_001272034.2); short protein forms Q468R, Q471R, Q482R.
Identifiers: ClinVar variation 1486766 (VCV001486766.3), dbSNP rs1040196718, ClinGen allele CA304911538.
Genomic context (GRCh38, chr19:7,646,304, plus strand): 5'-TGTAGGGCTCGGGGACCTCCAGCCGGCTGGAGCCGAGAGAACGCATGGAGCCCACCTATC[A>G]GCTGTCCCGCTGGACCCCGGTCATCAAGGATGTAATGGAGGTACTGGGTGGCAGGTCAGG-3'
Protein context (NP_008880.2, residues 461-481): EPRERMEPTY[Gln471Arg]LSRWTPVIKD

ClinVar aggregate classification (germline): Uncertain significance (1 of 4 stars; one submission).

Conditions:
Familial hemophagocytic lymphohistiocytosis 5. Also called: STXBP2-Related Familial Hemophagocytic Lymphohistiocytosis (STXBP2-fHLH). Identifiers: Orphanet 540, MedGen C2751293, MONDO:0013135, OMIM 613101.

Allele frequency attached by ClinVar (database versions not stated): gnomAD 0.00001; TOPMed 0.00002.
gnomAD v4.1: 5 of 1,611,404 alleles (0.00031%); highest among the groups gnomAD compares: East Asian, 0.0045%; no homozygotes.

Submission:

Labcorp Genetics (formerly Invitae), Labcorp
Classification: Uncertain significance for Familial hemophagocytic lymphohistiocytosis 5. Last evaluated: 2022-07-11. Review status: criteria provided, single submitter. Criteria: Invitae Variant Classification Sherloc (09022015). Collection method: clinical testing. Allele origin: germline.
Comment: This sequence change replaces glutamine, which is neutral and polar, with arginine, which is basic and polar, at codon 471 of the STXBP2 protein (p.Gln471Arg). This variant is not present in population databases (gnomAD no frequency). This variant has not been reported in the literature in individuals affected with STXBP2-related conditions. ClinVar contains an entry for this variant (Variation ID: 1486766). Algorithms developed to predict the effect of missense changes on protein structure and function are either unavailable or do not agree on the potential impact of this missense change (SIFT: "Tolerated"; PolyPhen-2: "Possibly Damaging"; Align-GVGD: "Class C0"). In summary, the available evidence is currently insufficient to determine the role of this variant in disease. Therefore, it has been classified as a Variant of Uncertain Significance.